The following is an entry in ClinVar:

NM_000444.6(PHEX):c.941G>A (p.Trp314Ter)

Gene: PHEX (phosphate regulating endopeptidase X-linked; plus strand). Cytogenetic location: Xp22.11.
Variant type: single nucleotide variant.
Coding change: c.941G>A on transcript NM_000444.6 (MANE Select); coding-DNA position 941, G replaced by A.
Protein change: p.Trp314Ter; replaces tryptophan 314 with a stop codon.
Molecular consequence: nonsense.
Genome position (GRCh38, 1-based): chrX:22,099,013, G>A. VCF-style: chrX-22099013-G-A. GRCh37 (hg19) VCF-style: chrX-22117131-G-A.
Other names: c.941G>A, p.Trp314Ter (NM_001282754.2); short protein forms W314*.
Identifiers: ClinVar variation 280696 (VCV000280696.3), dbSNP rs886041853, ClinGen allele CA10603637.

ClinVar aggregate classification (germline): Pathogenic. Review status: criteria provided, multiple submitters, no conflicts (2 of 4 stars). 2 submissions from 2 submitters: Pathogenic (2). Last evaluated 2025-07-02.

Submissions (2):

Labcorp Genetics (formerly Invitae), Labcorp
Classification: Pathogenic. Last evaluated: 2025-07-02. Review status: criteria provided, single submitter. Criteria: Invitae Variant Classification Sherloc (09022015). Collection method: clinical testing. Allele origin: germline.
Comment: This sequence change creates a premature translational stop signal (p.Trp314*) in the PHEX gene. It is expected to result in an absent or disrupted protein product. Loss-of-function variants in PHEX are known to be pathogenic (PMID: 9097956, 9106524, 19219621). This variant is not present in population databases (gnomAD no frequency). This premature translational stop signal has been observed in individual(s) with hypophosphatemia (PMID: 11502829). ClinVar contains an entry for this variant (Variation ID: 280696). For these reasons, this variant has been classified as Pathogenic.

GeneDx
Classification: Pathogenic. Last evaluated: 2017-05-04. Review status: criteria provided, single submitter. Criteria: GeneDx Variant Classification (06012015). Collection method: clinical testing. Allele origin: germline. Affected: yes.
Comment: Although c.941G>A variant has not been reported previously to our knowledge, another nucleotide change (c.942G>A) resulting in the same nonsense variant, W314X, has been reported in association with X-linked hypophosphatemic rickets (Holm et al. 2001). The W314X nonsense variant in the PHEX gene is predicted to cause loss of normal protein function either through protein truncation or nonsense-mediated mRNA decay. In addition, the W314X variant was not observed in approximately 6,500 individuals of European and African American ancestry in the NHLBI Exome Sequencing Project, indicating it is not a common benign variant in these populations.

Literature cited by the submitters: PubMed 9097956 (cited by Labcorp Genetics (formerly Invitae), Labcorp); PubMed 9106524 (cited by Labcorp Genetics (formerly Invitae), Labcorp); PubMed 19219621 (cited by Labcorp Genetics (formerly Invitae), Labcorp); PubMed 11502829 (cited by Labcorp Genetics (formerly Invitae), Labcorp).